The following is an entry in ClinVar:

NM_152594.3(SPRED1):c.1132_1139del (p.His378fs)

Gene: SPRED1 (sprouty related EVH1 domain containing 1; plus strand). Cytogenetic location: 15q14.
Variant type: Deletion.
Coding change: c.1132_1139del on transcript NM_152594.3 (MANE Select); coding-DNA positions 1132 to 1139, 8 bases deleted (CATTGTAT; older notation c.1132_1139delCATTGTAT).
Protein change: p.His378fs; shifts the reading frame from histidine 378.
Molecular consequence: frameshift variant.
Genome position (GRCh38, 1-based): chr15:38,351,461-38,351,468, CATTGTAT deleted; deleting any 8 consecutive bases within chr15:38,351,455-38,351,468 gives the same sequence; the c. name uses the placement nearest the transcript's 3' end. VCF-style (leftmost placement, unchanged base first): chr15-38351454-GTTGTATCA-G. GRCh37 (hg19) VCF-style: chr15-38643655-GTTGTATCA-G.
Other names: short protein forms H378fs.
Identifiers: ClinVar variation 1401830 (VCV001401830.8), dbSNP rs2141016553, ClinGen allele CA2573150673.
Genomic context (GRCh38, chr15:38,351,454, plus strand): 5'-TCCAGACCCTATTAAAAGATGCATATATCAAGTTAGTTGCATGCTCTGTGCAGAGAGCAT[GTTGTATCA>G]TTGTATGTCAGACTCAGAGGGAGATTTTTCTGATCCCTGTTCGTGTGACACTAGCGACGA-3'

ClinVar aggregate classification (germline): Pathogenic (1 of 4 stars; one submission).

Conditions:
Legius syndrome. Identifiers: Orphanet 137605, MedGen C1969623, MONDO:0012669, OMIM 611431. Disease mechanism: loss of function.

Submission:

Labcorp Genetics (formerly Invitae), Labcorp
Classification: Pathogenic for Legius syndrome. Last evaluated: 2023-08-02. Review status: criteria provided, single submitter. Criteria: Invitae Variant Classification Sherloc (09022015). Collection method: clinical testing. Allele origin: germline.
Comment: This variant is not present in population databases (gnomAD no frequency). This sequence change creates a premature translational stop signal (p.His378Valfs*9) in the SPRED1 gene. While this is not anticipated to result in nonsense mediated decay, it is expected to disrupt the last 67 amino acid(s) of the SPRED1 protein. This variant has not been reported in the literature in individuals affected with SPRED1-related conditions. ClinVar contains an entry for this variant (Variation ID: 1401830). This variant disrupts a region of the SPRED1 protein in which other variant(s) (p.Cys418Alafs*6) have been determined to be pathogenic (PMID: 19920235). This suggests that this is a clinically significant region of the protein, and that variants that disrupt it are likely to be disease-causing. For these reasons, this variant has been classified as Pathogenic.

Literature cited by the submitters: PubMed 19920235.